The following is an entry in ClinVar:

NM_000038.6(APC):c.1744-2727G>A

Gene: APC (APC regulator of WNT signaling pathway; plus strand). Cytogenetic location: 5q22.2.
Variant type: single nucleotide variant.
Coding change: c.1744-2727G>A on transcript NM_000038.6 (MANE Select); 2727 bases into the intron before coding-DNA position 1744, G replaced by A.
Molecular consequence: intron variant.
Genome position (GRCh38, 1-based): chr5:112,832,224, G>A. VCF-style: chr5-112832224-G-A. GRCh37 (hg19) VCF-style: chr5-112167921-G-A.
Other names: c.1744-2727G>A (NM_001354895.2, NM_001127510.3); c.1774-2727G>A (NM_001354897.2); c.1471-2727G>A (NM_001354902.2); c.1690-2727G>A (NM_001127511.3); c.1669-2727G>A (NM_001354898.2); c.1366-2727G>A (NM_001354904.2); c.895-2727G>A (NM_001354906.2); c.1798-2727G>A (NM_001354896.2); and 5 more.
Identifiers: ClinVar variation 82603 (VCV000082603.2), dbSNP rs11960216, ClinGen allele CA005865.

ClinVar aggregate classification (germline): other (0 of 4 stars; one submission).

Conditions:
Familial colorectal cancer. Identifiers: MedGen CN280943, MONDO:0023113. Disease mechanism: loss of function.

Allele frequency attached by ClinVar (database versions not stated): gnomAD 0.10842 and 0.11005; TOPMed 0.11150; 1000 Genomes Project 30x 0.11399; 1000 Genomes Project 0.11522.
gnomAD v4.1: 16,479 of 152,126 alleles (11%); highest among the groups gnomAD compares: African/African-American, 16%; 971 homozygotes.

Submission:

Systems Biology Platform Zhejiang California International NanoSystems Institute
Classification: other for Familial colorectal cancer. Review status: no assertion criteria provided. Collection method: not provided. Allele origin: unknown.
ClinVar note: Converted during submission from cancer to other.